The following is an entry in ClinVar:

ClinVar aggregate classification (germline): Pathogenic (1 of 4 stars; one submission).

Submission:

Genetics Laboratory, UDIAT-Centre Diagnòstic, Hospital Universitari Parc Tauli
Classification: Pathogenic. Last evaluated: 2021-04-26. Review status: criteria provided, single submitter. Criteria: Parc Tauli Hospital Assertion Criteria 2021. Collection method: clinical testing. Allele origin: de novo. Inheritance: Autosomal dominant inheritance. Affected: yes. Observed: 1 heterozygote.
Comment: PVS1_very strong;PM2_supporting;PM6_moderate

NM_001348323.3(TRIP12):c.5215del (p.Gln1739fs)

Gene: TRIP12 (thyroid hormone receptor interactor 12; minus strand). Cytogenetic location: 2q36.3.
Variant type: Deletion.
Coding change: c.5215del on transcript NM_001348323.3 (MANE Select); coding-DNA position 5215, one base deleted (C; older notation c.5215delC).
Protein change: p.Gln1739fs; shifts the reading frame from glutamine 1739.
Molecular consequence: frameshift variant.
Genome position (GRCh38, 1-based): chr2:229,778,582, G deleted on the plus strand (C on the coding strand, the reverse complement: TRIP12 is on the minus strand); the first of 2 consecutive G bases (chr2:229,778,582-229,778,583); deleting either gives the same sequence. VCF-style (leftmost placement, unchanged base first): chr2-229778581-TG-T. GRCh37 (hg19) VCF-style: chr2-230643297-TG-T.
Other names: c.5134del, p.Gln1712fs (NM_001284214.2, NM_001348315.2); c.5089del, p.Gln1697fs (NM_001284215.2, NM_001348316.2); c.4180del, p.Gln1394fs (NM_001284216.2); c.5074del, p.Gln1692fs (NM_001348317.1, NM_001348318.2); c.5200del, p.Gln1734fs (NM_001348319.1, NM_001348320.2); c.5203del, p.Gln1735fs (NM_001348321.1); c.5215del, p.Gln1739fs (NM_001348322.1, NM_001348324.2, NM_001348325.2 and 2 more transcripts); c.5218del, p.Gln1740fs (NM_001348328.1, NM_001348329.2, NM_001348330.2); and 4 more; short protein forms Q1394fs, Q1664fs, Q1665fs, Q1692fs, Q1697fs, Q1705fs, Q1712fs, Q1713fs.
Identifiers: ClinVar variation 1098392 (VCV001098392.2), dbSNP rs2154245555, ClinGen allele CA2499215765.